The following is an entry in ClinVar:

NC_000016.9:g.(?_89712474)_(89720351_?)dup

Gene: CHMP1A (charged multivesicular body protein 1A; minus strand). Cytogenetic location: 16q24.3.
Variant type: Duplication.
Identifiers: ClinVar variation 1400080 (VCV001400080.4).

ClinVar aggregate classification (germline): Uncertain significance (1 of 4 stars; one submission).

Submission:

Labcorp Genetics (formerly Invitae), Labcorp
Classification: Uncertain significance. Last evaluated: 2021-01-26. Review status: criteria provided, single submitter. Criteria: Invitae Variant Classification Sherloc (09022015). Collection method: clinical testing. Allele origin: germline.
Comment: In summary, the available evidence is currently insufficient to determine the role of this variant in disease. Therefore, it has been classified as a Variant of Uncertain Significance. Experimental studies and prediction algorithms are not available or were not evaluated, and the functional significance of this variant is currently unknown. This variant has not been reported in the literature in individuals with CHMP1A-related conditions. This variant results in a copy number gain of the genomic region encompassing exon(s) 2-7 of the CHMP1A gene. The 5' boundary is likely confined to intron 1. The 3' end of this event is unknown as it extends beyond the assayed region for this gene and therefore may encompass additional genes. As the precise location of this event is unknown, it may be in tandem or it may be located elsewhere in the genome.